The following is an entry in ClinVar:

NM_144596.4(TTC8):c.1487C>T (p.Pro496Leu)

Gene: TTC8 (tetratricopeptide repeat domain 8; plus strand). Cytogenetic location: 14q31.3.
Variant type: single nucleotide variant.
Coding change: c.1487C>T on transcript NM_144596.4 (MANE Select); coding-DNA position 1487, C replaced by T.
Protein change: p.Pro496Leu; replaces proline 496 with leucine.
Molecular consequence: missense variant. On other transcripts: non-coding transcript variant (1).
Genome position (GRCh38, 1-based): chr14:88,877,349, C>T. VCF-style: chr14-88877349-C-T. GRCh37 (hg19) VCF-style: chr14-89343693-C-T.
Other names: c.1535C>T, p.Pro512Leu (NM_001288781.1); c.893C>T, p.Pro298Leu (NM_001288782.1); c.770C>T, p.Pro257Leu (NM_001288783.1); c.1373C>T, p.Pro458Leu (NM_001366535.2); c.1283C>T, p.Pro428Leu (NM_001366536.2); c.1457C>T, p.Pro486Leu (NM_198309.3); c.1367C>T, p.Pro456Leu (NM_198310.3); c.1487C>T (NM_144596.3); and 1 more; short protein forms P456L, P458L, P486L, P512L, P428L, P257L, P298L, P496L.
Identifiers: ClinVar variation 2203452 (VCV002203452.5), dbSNP rs187384932, ClinGen allele CA264575935.

ClinVar aggregate classification (germline): Uncertain significance. Review status: criteria provided, multiple submitters, no conflicts (2 of 4 stars). 3 submissions from 3 submitters: Uncertain significance (2). 1 of the submissions does not count toward it. Last evaluated 2024-01-04.

Conditions:
Bardet-Biedl syndrome (BBS). Identifiers: Orphanet 110, MedGen C0752166, MONDO:0015229.
Inborn genetic diseases. Identifiers: MedGen C0950123, MeSH D030342.
TTC8-related disorder. Also called: TTC8-related condition.

Allele frequency attached by ClinVar (database versions not stated): gnomAD exomes 0.00001; gnomAD 0.00005; TOPMed 0.00005; 1000 Genomes Project 30x 0.00016; 1000 Genomes Project 0.00020.
gnomAD v4.1: 19 of 1,613,766 alleles (0.0012%); highest among the groups gnomAD compares: African/African-American, 0.02%; no homozygotes.

Submissions (3):

Ambry Genetics
Classification: Uncertain significance for Inborn genetic diseases. Last evaluated: 2024-01-04. Review status: criteria provided, single submitter. Criteria: Ambry Variant Classification Scheme 2023. Collection method: clinical testing. Allele origin: germline.

Labcorp Genetics (formerly Invitae), Labcorp
Classification: Uncertain significance for Bardet-Biedl syndrome. Last evaluated: 2022-05-03. Review status: criteria provided, single submitter. Criteria: Invitae Variant Classification Sherloc (09022015). Collection method: clinical testing. Allele origin: germline.
Comment: This sequence change replaces proline, which is neutral and non-polar, with leucine, which is neutral and non-polar, at codon 486 of the TTC8 protein (p.Pro486Leu). This variant is present in population databases (rs187384932, gnomAD 0.02%). This variant has not been reported in the literature in individuals affected with TTC8-related conditions. Algorithms developed to predict the effect of missense changes on protein structure and function are either unavailable or do not agree on the potential impact of this missense change (SIFT: "Deleterious"; PolyPhen-2: "Probably Damaging"; Align-GVGD: "Class C0"). In summary, the available evidence is currently insufficient to determine the role of this variant in disease. Therefore, it has been classified as a Variant of Uncertain Significance.

PreventionGenetics, part of Exact Sciences
Classification: Uncertain significance for TTC8-related condition. Last evaluated: 2024-05-06. Review status: no assertion criteria provided. Collection method: clinical testing. Allele origin: germline. Not counted in ClinVar's aggregate classification.
Comment: The TTC8 c.1487C>T variant is predicted to result in the amino acid substitution p.Pro496Leu. To our knowledge, this variant has not been reported in the literature. This variant is reported in 0.016% of alleles in individuals of African descent in gnomAD. At this time, the clinical significance of this variant is uncertain due to the absence of conclusive functional and genetic evidence.